The following is an entry in ClinVar:

ClinVar aggregate classification (germline): Pathogenic. Review status: criteria provided, multiple submitters, no conflicts (2 of 4 stars). 8 submissions from 8 submitters: Pathogenic (7). 1 of the submissions does not count toward it. Last evaluated 2025-12-11.

Conditions:
Cardiovascular phenotype. Identifiers: MedGen CN230736.
Colorectal cancer, hereditary nonpolyposis, type 6. Also called: Colon cancer, hereditary nonpolyposis, type 6; Colon cancer, hereditary nonpolyposis, type 6, somatic. Identifiers: Orphanet 144, MedGen C1860896, MONDO:0013695, OMIM 614331.
Malignant tumor of esophagus. Also called: Esophageal cancer, somatic; Esophageal cancer. Identifiers: Orphanet 99977, MedGen C0546837, MONDO:0007576, OMIM 133239.
Loeys-Dietz syndrome 2 (LDS2). Also called: AORTIC ANEURYSM, FAMILIAL THORACIC 3; MARFAN SYNDROME, TYPE II; TGFBR2-Related Loeys-Dietz Syndrome; Marfan syndrome, type 2 (formerly); Marfan Syndrome type 2; Marfan like connective tissue disorder. Identifiers: Orphanet 284973, Orphanet 558, MedGen C2674574, MONDO:0012427, OMIM 610168.
Familial thoracic aortic aneurysm and aortic dissection (TAAD). Also called: Thoracic aortic aneurysms and dissections. Identifiers: Orphanet 91387, MedGen C4707243, MONDO:0019625.
Loeys-Dietz syndrome (LDS). Identifiers: Orphanet 60030, MedGen C2697932, MONDO:0018954.

Submissions (8):

Labcorp Genetics (formerly Invitae), Labcorp
Classification: Pathogenic for Familial thoracic aortic aneurysm and aortic dissection. Last evaluated: 2025-12-11. Review status: criteria provided, single submitter. Criteria: Invitae Variant Classification Sherloc (09022015). Collection method: clinical testing. Allele origin: germline.
Comment: This sequence change creates a premature translational stop signal (p.Arg495*) in the TGFBR2 gene. While this is not anticipated to result in nonsense mediated decay, it is expected to disrupt the last 73 amino acid(s) of the TGFBR2 protein. This variant is not present in population databases (gnomAD no frequency). This premature translational stop signal has been observed in individuals with Loeys-Dietz syndrome (PMID: 16928994, 17652900, 18084123, 22113417). ClinVar contains an entry for this variant (Variation ID: 12519). For these reasons, this variant has been classified as Pathogenic.

Molecular Diagnostic Laboratory for Inherited Cardiovascular Disease, Montreal Heart Institute
Classification: Pathogenic for Cardiovascular phenotype. Last evaluated: 2023-08-25. Review status: criteria provided, single submitter. Criteria: ACMG Guidelines, 2015. Collection method: clinical testing. Allele origin: germline. Affected: yes.

Ambry Genetics
Classification: Pathogenic for Familial thoracic aortic aneurysm and aortic dissection. Last evaluated: 2023-05-15. Review status: criteria provided, single submitter. Criteria: Ambry Variant Classification Scheme 2023. Collection method: clinical testing. Allele origin: germline.
Comment: The p.R495* pathogenic mutation (also known as c.1483C>T), located in coding exon 6 of the TGFBR2 gene, results from a C to T substitution at nucleotide position 1483. This changes the amino acid from an arginine to a stop codon within coding exon 6. This alteration occurs at the 3' terminus of theTGFBR2 gene, is not expected to trigger nonsense-mediated mRNA decay, and only impacts the last 12.8% of the protein. However, premature stop codons are typically deleterious in nature and a significant portion of the protein is affected (Ambry internal data). This alteration has been reported in several individuals and families with a diagnosis of Loeys-Dietz syndrome (Loeys et al. N Engl J Med. 2006;355(8):788-98; Togashi et al. Intern Med. 2007;46(24):1995-2000; Yang et al. J Hum Genet. 2012;57:52-6). This variant is considered to be rare based on population cohorts in the Genome Aggregation Database (gnomAD). Based on the supporting evidence, this alteration is interpreted as a disease-causing mutation.

Clinical Genetics Laboratory, Skane University Hospital Lund
Classification: Pathogenic. Last evaluated: 2022-10-31. Review status: criteria provided, single submitter. Criteria: ACMG Guidelines, 2015. Collection method: clinical testing. Allele origin: germline. Affected: yes.

GeneDx
Classification: Pathogenic. Last evaluated: 2022-06-01. Review status: criteria provided, single submitter. Criteria: GeneDx Variant Classification Process June 2021. Collection method: clinical testing. Allele origin: germline. Affected: yes.
Comment: Not observed at significant frequency in large population cohorts (gnomAD); Published functional studies suggest a damaging effect by causing intracellular accumulation of collagen type I in patient-derived cultured fibroblasts (Barnett et al., 2011); Nonsense variant predicted to result in protein truncation in a gene for which loss-of-function is not a known mechanism of disease; This variant is associated with the following publications: (PMID: 25525159, 16928994, 18084123, 22113417, 17652900, 33059708, 34150014, 21267002, 26582918, 33084842)

Fulgent Genetics
Classification: Pathogenic for Malignant tumor of esophagus; Loeys-Dietz syndrome 2; Colorectal cancer, hereditary nonpolyposis, type 6. Last evaluated: 2018-10-31. Review status: criteria provided, single submitter. Criteria: ACMG Guidelines, 2015. Collection method: clinical testing. Allele origin: unknown.

Women's Health and Genetics/Laboratory Corporation of America, LabCorp
Classification: Pathogenic for Loeys-Dietz syndrome. Last evaluated: 2018-01-30. Review status: criteria provided, single submitter. Criteria: LabCorp Variant Classification Summary - May 2015. Collection method: clinical testing. Allele origin: germline.
Comment: Variant summary: TGFBR2 c.1483C>T (p.Arg495X) results in a premature termination codon, predicted to cause a truncation of the encoded protein or absence of the protein due to nonsense mediated decay, which are commonly known mechanisms for disease. The variant was absent in 245910 control chromosomes. The c.1483C>T variant has been reported in the literature in multiple individuals affected with Loeys-Dietz Syndrome, including segregation with disease in a family (Togashi_2007). These data indicate that the variant is very likely to be associated with disease. At least one publication reports experimental evidence evaluating an impact on protein function, where an increase in intracellular collagen was observed in patient fibroblasts (Barnett_2011). Three clinical diagnostic laboratories have submitted clinical-significance assessments for this variant to ClinVar after 2014 without evidence for independent evaluation, each of which classified the variant as pathogenic. Based on the evidence outlined above, the variant was classified as pathogenic.

OMIM
Classification: Pathogenic for LOEYS-DIETZ SYNDROME 2. Last evaluated: 2006-08-24. Review status: no assertion criteria provided. Collection method: literature only. Allele origin: germline. Not counted in ClinVar's aggregate classification.

Literature cited by the submitters: PubMed 16928994 (cited by 3 submitters); PubMed 17652900 (cited by Labcorp Genetics (formerly Invitae), Labcorp); PubMed 18084123 (cited by Labcorp Genetics (formerly Invitae), Labcorp and Women's Health and Genetics/Laboratory Corporation of America, LabCorp); PubMed 22113417 (cited by Labcorp Genetics (formerly Invitae), Labcorp and Women's Health and Genetics/Laboratory Corporation of America, LabCorp); PubMed 17935258 (cited by Women's Health and Genetics/Laboratory Corporation of America, LabCorp); PubMed 27879313 (cited by Women's Health and Genetics/Laboratory Corporation of America, LabCorp); PubMed 21267002 (cited by Women's Health and Genetics/Laboratory Corporation of America, LabCorp).

NM_003242.6(TGFBR2):c.1483C>T (p.Arg495Ter)

Gene: TGFBR2 (transforming growth factor beta receptor 2; plus strand). Cytogenetic location: 3p24.1.
Variant type: single nucleotide variant.
Coding change: c.1483C>T on transcript NM_003242.6 (MANE Select); coding-DNA position 1483, C replaced by T.
Protein change: p.Arg495Ter; replaces arginine 495 with a stop codon.
Molecular consequence: nonsense.
Genome position (GRCh38, 1-based): chr3:30,688,470, C>T. VCF-style: chr3-30688470-C-T. GRCh37 (hg19) VCF-style: chr3-30729962-C-T.
Other names: p.R495*:CGA>TGA; c.1510C>T, p.Arg504Ter (NM_001407128.1); c.1486C>T, p.Arg496Ter (NM_001407129.1); c.1480C>T, p.Arg494Ter (NM_001407130.1); c.1378C>T, p.Arg460Ter (NM_001407132.1, NM_001407133.1, NM_001407134.1 and 2 more transcripts); c.1198C>T, p.Arg400Ter (NM_001407137.1); c.1123C>T, p.Arg375Ter (NM_001407138.1); c.613C>T, p.Arg205Ter (NM_001407139.1); and 3 more; short protein forms R495*, R520*, R205*, R556*, R400*, R375*, R504*, R531*.
Identifiers: ClinVar variation 12519 (VCV000012519.22), dbSNP rs104893819, ClinGen allele CA020690.